The following is an entry in ClinVar:

ClinVar aggregate classification (germline): Pathogenic/Likely pathogenic. Review status: criteria provided, multiple submitters, no conflicts (2 of 4 stars). 4 submissions from 4 submitters: Pathogenic (2); Likely pathogenic (1). 1 of the submissions does not count toward it. Last evaluated 2025-05-08.

Conditions:
SETX-related disorder. Also called: SETX-related condition; SETX-related disorders. Identifiers: MedGen CN239403.
Spinocerebellar ataxia, autosomal recessive, with axonal neuropathy 2 (SCAN2). Also called: Ataxia-ocular apraxia-2; Ataxia with Oculomotor Apraxia; ATAXIA-OCULOMOTOR APRAXIA 2; Ataxia with Oculomotor Apraxia Type 2. Identifiers: Orphanet 64753, MedGen C1853761, MONDO:0018996, OMIM 606002.
Amyotrophic lateral sclerosis type 4 (ALS4). Also called: AMYOTROPHIC LATERAL SCLEROSIS 4, JUVENILE; NEURONOPATHY, DISTAL HEREDITARY MOTOR, WITH PYRAMIDAL FEATURES. Identifiers: Orphanet 357043, MedGen C1865409, MONDO:0011223, OMIM 602433.

Submissions (4):

GeneDx
Classification: Pathogenic. Last evaluated: 2025-05-08. Review status: criteria provided, single submitter. Criteria: GeneDx Variant Classification Process June 2021. Collection method: clinical testing. Allele origin: germline. Affected: yes.
Comment: Observed with a second SETX variant, phase unknown, in a patient with ataxia-ocular apraxia 2 in published literature (PMID: 26331048); Frameshift variant predicted to result in protein truncation or nonsense mediated decay in a gene for which loss of function is a known mechanism of disease; Not observed at significant frequency in large population cohorts (gnomAD); This variant is associated with the following publications: (PMID: 32961396, 26331048)

Labcorp Genetics (formerly Invitae), Labcorp
Classification: Pathogenic for Amyotrophic lateral sclerosis type 4; Spinocerebellar ataxia, autosomal recessive, with axonal neuropathy 2. Last evaluated: 2025-01-14. Review status: criteria provided, single submitter. Criteria: Invitae Variant Classification Sherloc (09022015). Collection method: clinical testing. Allele origin: germline.
Comment: This sequence change creates a premature translational stop signal (p.Val2374Glyfs*20) in the SETX gene. It is expected to result in an absent or disrupted protein product. Loss-of-function variants in SETX are known to be pathogenic (PMID: 14770181). This variant is present in population databases (rs765371601, gnomAD 0.002%). This premature translational stop signal has been observed in individual(s) with ataxia with occulomotor apraxia type 2 (PMID: 26331048). For these reasons, this variant has been classified as Pathogenic.

Athena Diagnostics
Classification: Likely pathogenic. Last evaluated: 2018-12-03. Review status: criteria provided, single submitter. Criteria: Athena Diagnostics Criteria. Collection method: clinical testing. Allele origin: germline.
Comment: The variant results in a shift of the reading frame, and is therefore predicted to result in the loss of a functional protein. The best available variant frequency is uninformative because it is below the disease allele frequency.

PreventionGenetics, part of Exact Sciences
Classification: Likely pathogenic for SETX-related condition. Last evaluated: 2024-07-09. Review status: no assertion criteria provided. Collection method: clinical testing. Allele origin: germline. Not counted in ClinVar's aggregate classification.
Comment: The SETX c.7121_7122delTG variant is predicted to result in a frameshift and premature protein termination (p.Val2374Glyfs*20). This variant has been reported in the homozygous state in an individual with hereditary ataxia (HA) (F17-II:1, Jiao et al. 2020. PubMed ID: 32961396). This variant is reported in 0.0018% of alleles in individuals of European (Non-Finnish) descent in gnomAD. Frameshift variants in SETX are expected to be pathogenic. This variant is interpreted as likely pathogenic.

Literature cited by the submitters: PubMed 14770181 (cited by Labcorp Genetics (formerly Invitae), Labcorp); PubMed 26331048 (cited by Labcorp Genetics (formerly Invitae), Labcorp and Athena Diagnostics).

NM_015046.7(SETX):c.7121_7122del (p.Val2374fs)

Gene: SETX (senataxin; minus strand). Cytogenetic location: 9q34.13.
Variant type: Microsatellite.
Coding change: c.7121_7122del on transcript NM_015046.7 (MANE Select); coding-DNA positions 7121 to 7122, 2 bases deleted (TG; older notation c.7121_7122delTG).
Protein change: p.Val2374fs; shifts the reading frame from valine 2374.
Molecular consequence: frameshift variant.
Genome position (GRCh38, 1-based): chr9:132,271,787-132,271,788, CA deleted on the plus strand (TG on the coding strand, the reverse complement: SETX is on the minus strand); deleting any 2 consecutive bases within chr9:132,271,787-132,271,790 gives the same sequence; the c. name uses the placement nearest the transcript's 3' end. VCF-style (leftmost placement, unchanged base first): chr9-132271786-CCA-C. GRCh37 (hg19) VCF-style: chr9-135147173-CCA-C.
Other names: c.7121_7122del, p.Val2374fs (NM_001351527.2, NM_001351528.2); short protein forms V2374fs.
Identifiers: ClinVar variation 365346 (VCV000365346.10), dbSNP rs765371601, ClinGen allele CA5296497.
Genomic context (GRCh38, chr9:132,271,786, plus strand): 5'-TGCTATTTGCTCTGACACACGTAACAATAACACAATCCTTCTGCCGACCCTGGAATGCAT[CCA>C]CAGTGTCTACTTCTGCTGGTCTATTTACAAAAGAGAAACATATTTACTGGAAAAAGGAAG-3'